The following is an entry in ClinVar:

NM_012193.4(FZD4):c.8G>A (p.Trp3Ter)

Genes: FZD4 (frizzled class receptor 4; minus strand), LOC130006561 (ATAC-STARR-seq lymphoblastoid silent region 3828; plus strand). Cytogenetic location: 11q14.2.
Variant type: single nucleotide variant.
Coding change: c.8G>A on transcript NM_012193.4 (MANE Select); coding-DNA position 8, G replaced by A.
Protein change: p.Trp3Ter; replaces tryptophan 3 with a stop codon.
Molecular consequence: nonsense.
Genome position (GRCh38, 1-based): chr11:86,955,078, C>T on the plus strand (G>A on the coding strand, the complement: FZD4 is on the minus strand). VCF-style: chr11-86955078-C-T. GRCh37 (hg19) VCF-style: chr11-86666120-C-T.
Other names: short protein forms W3*.
Identifiers: ClinVar variation 2133760 (VCV002133760.4), dbSNP rs2495875214, ClinGen allele CA382018683.

ClinVar aggregate classification (germline): Pathogenic (1 of 4 stars; one submission).

Submission:

Labcorp Genetics (formerly Invitae), Labcorp
Classification: Pathogenic. Last evaluated: 2022-05-04. Review status: criteria provided, single submitter. Criteria: Invitae Variant Classification Sherloc (09022015). Collection method: clinical testing. Allele origin: germline.
Comment: This sequence change creates a premature translational stop signal (p.Trp3*) in the FZD4 gene. It is expected to result in an absent or disrupted protein product. Loss-of-function variants in FZD4 are known to be pathogenic (PMID: 25711638, 26244290). This variant is not present in population databases (gnomAD no frequency). This variant has not been reported in the literature in individuals affected with FZD4-related conditions. For these reasons, this variant has been classified as Pathogenic.

Literature cited by the submitters: PubMed 25711638; PubMed 26244290.